The following is an entry in ClinVar:

NM_005359.6(SMAD4):c.626C>A (p.Thr209Asn)

Gene: SMAD4 (SMAD family member 4; plus strand). Cytogenetic location: 18q21.2.
Variant type: single nucleotide variant.
Coding change: c.626C>A on transcript NM_005359.6 (MANE Select); coding-DNA position 626, C replaced by A.
Protein change: p.Thr209Asn; replaces threonine 209 with asparagine.
Molecular consequence: missense variant. On other transcripts: non-coding transcript variant (2).
Genome position (GRCh38, 1-based): chr18:51,054,952, C>A. VCF-style: chr18-51054952-C-A. GRCh37 (hg19) VCF-style: chr18-48581322-C-A.
Other names: c.626C>A, p.Thr209Asn (NM_001407041.1, NM_001407042.1, NM_001407043.1); short protein forms T209N.
Identifiers: ClinVar variation 3238422 (VCV003238422.2), dbSNP rs1909801469.

ClinVar aggregate classification (germline): Uncertain significance. Review status: criteria provided, multiple submitters, no conflicts (2 of 4 stars). 2 submissions from 2 submitters: Uncertain significance (2). Last evaluated 2026-02-04.

Conditions:
Familial thoracic aortic aneurysm and aortic dissection (TAAD). Also called: Thoracic aortic aneurysms and dissections. Identifiers: Orphanet 91387, MedGen C4707243, MONDO:0019625.
Hereditary cancer-predisposing syndrome. Also called: Hereditary Cancer Syndrome; Tumor predisposition; Neoplastic Syndromes, Hereditary; Hereditary neoplastic syndrome. Identifiers: Orphanet 140162, MedGen C0027672, MeSH D009386, MONDO:0015356.
Juvenile polyposis syndrome (JPS). Identifiers: Orphanet 2929, MedGen C0345893, MONDO:0017380, OMIM 174900.

Submissions (2):

Labcorp Genetics (formerly Invitae), Labcorp
Classification: Uncertain significance for Juvenile polyposis syndrome. Last evaluated: 2026-02-04. Review status: criteria provided, single submitter. Criteria: Invitae Variant Classification Sherloc (09022015). Collection method: clinical testing. Allele origin: germline.
Comment: This sequence change replaces threonine, which is neutral and polar, with asparagine, which is neutral and polar, at codon 209 of the SMAD4 protein (p.Thr209Asn). This variant is not present in population databases (gnomAD no frequency). This variant has not been reported in the literature in individuals affected with SMAD4-related conditions. ClinVar contains an entry for this variant (Variation ID: 3238422). Invitae Evidence Modeling of protein sequence and biophysical properties (such as structural, functional, and spatial information, amino acid conservation, physicochemical variation, residue mobility, and thermodynamic stability) indicates that this missense variant is not expected to disrupt SMAD4 protein function with a negative predictive value of 95%. In summary, the available evidence is currently insufficient to determine the role of this variant in disease. Therefore, it has been classified as a Variant of Uncertain Significance.

Ambry Genetics
Classification: Uncertain significance for Hereditary cancer-predisposing syndrome; Familial thoracic aortic aneurysm and aortic dissection. Last evaluated: 2023-08-04. Review status: criteria provided, single submitter. Criteria: Ambry Variant Classification Scheme 2023. Collection method: clinical testing. Allele origin: germline.
Comment: The p.T209N variant (also known as c.626C>A), located in coding exon 4 of the SMAD4 gene, results from a C to A substitution at nucleotide position 626. The threonine at codon 209 is replaced by asparagine, an amino acid with similar properties. This amino acid position is conserved. In addition, the in silico prediction for this alteration is inconclusive. Since supporting evidence is limited at this time, the clinical significance of this alteration remains unclear.